The following is an entry in ClinVar:

NM_001009944.3(PKD1):c.12068T>G (p.Leu4023Arg)

Gene: PKD1 (polycystin 1, transient receptor potential channel interacting; minus strand). Cytogenetic location: 16p13.3.
Variant type: single nucleotide variant.
Coding change: c.12068T>G on transcript NM_001009944.3 (MANE Select); coding-DNA position 12068, T replaced by G.
Protein change: p.Leu4023Arg; replaces leucine 4023 with arginine.
Molecular consequence: missense variant.
Genome position (GRCh38, 1-based): chr16:2,090,744, A>C on the plus strand (T>G on the coding strand, the complement: PKD1 is on the minus strand). VCF-style: chr16-2090744-A-C. GRCh37 (hg19) VCF-style: chr16-2140745-A-C.
Other names: c.12065T>G, p.Leu4022Arg (NM_000296.4); short protein forms L4022R, L4023R.
Identifiers: ClinVar variation 1309240 (VCV001309240.2), dbSNP rs2151684704, ClinGen allele CA394327148.

ClinVar aggregate classification (germline): Uncertain significance (1 of 4 stars; one submission).

gnomAD v4.1: 7 of 1,612,624 alleles (0.00043%); highest among the groups gnomAD compares: Non-Finnish European, 0.00059%; no homozygotes.

Submission:

GeneDx
Classification: Uncertain significance. Last evaluated: 2019-08-23. Review status: criteria provided, single submitter. Criteria: GeneDx Variant Classification Process June 2021. Collection method: clinical testing. Allele origin: germline. Affected: yes.
Comment: Not observed in large population cohorts (Lek et al., 2016); In silico analysis, which includes protein predictors and evolutionary conservation, supports a deleterious effect; Has not been previously published as pathogenic or benign to our knowledge